The following is an entry in ClinVar:

ClinVar aggregate classification (germline): Uncertain significance (1 of 4 stars; one submission).

Conditions:
Inborn genetic diseases. Identifiers: MedGen C0950123, MeSH D030342.

gnomAD v4.1: 4 of 1,614,018 alleles (0.00025%); highest among the groups gnomAD compares: Non-Finnish European, 0.00034%; no homozygotes.

Submission:

Ambry Genetics
Classification: Uncertain significance for Inborn genetic diseases. Last evaluated: 2025-02-08. Review status: criteria provided, single submitter. Criteria: Ambry Variant Classification Scheme 2023. Collection method: clinical testing. Allele origin: germline.
Comment: The p.E679D variant (also known as c.2037A>C), located in coding exon 12 of the BMPR2 gene, results from an A to C substitution at nucleotide position 2037. The glutamic acid at codon 679 is replaced by aspartic acid, an amino acid with highly similar properties. This amino acid position is conserved. In addition, the in silico prediction for this alteration is inconclusive. Based on the available evidence, the clinical significance of this variant remains unclear.

NM_001204.7(BMPR2):c.2037A>C (p.Glu679Asp)

Gene: BMPR2 (bone morphogenetic protein receptor type 2; plus strand). Cytogenetic location: 2q33.2.
Variant type: single nucleotide variant.
Coding change: c.2037A>C on transcript NM_001204.7 (MANE Select); coding-DNA position 2037, A replaced by C.
Protein change: p.Glu679Asp; replaces glutamic acid 679 with aspartic acid.
Molecular consequence: missense variant.
Genome position (GRCh38, 1-based): chr2:202,555,702, A>C. VCF-style: chr2-202555702-A-C. GRCh37 (hg19) VCF-style: chr2-203420425-A-C.
Other names: short protein forms E679D.
Identifiers: ClinVar variation 3824894 (VCV003824894.1).
Genomic context (GRCh38, chr2:202,555,702, plus strand): 5'-AGAAGAAGACTTGGAAACCAACAAGCTAGACCCAAAAGAAGTTGATAAGAACCTCAAGGA[A>C]AGCTCTGATGAGAATCTCATGGAGCACTCTCTTAAACAGTTCAGTGGCCCAGACCCACTG-3'
Protein context (NP_001195.2, residues 669-689): DPKEVDKNLK[Glu679Asp]SSDENLMEHS